The following is an entry in ClinVar:

NM_001375524.1(TRRAP):c.610C>T (p.Arg204Cys)

Gene: TRRAP (transformation/transcription domain associated protein; plus strand). Cytogenetic location: 7q22.1.
Variant type: single nucleotide variant.
Coding change: c.610C>T on transcript NM_001375524.1 (MANE Select); coding-DNA position 610, C replaced by T.
Protein change: p.Arg204Cys; replaces arginine 204 with cysteine.
Molecular consequence: missense variant.
Genome position (GRCh38, 1-based): chr7:98,897,843, C>T. VCF-style: chr7-98897843-C-T. GRCh37 (hg19) VCF-style: chr7-98495466-C-T.
Other names: c.610C>T (NM_001244580.1); c.610C>T, p.Arg204Cys (NM_001244580.2, NM_003496.4); short protein forms R204C.
Identifiers: ClinVar variation 2166377 (VCV002166377.4), dbSNP rs573134393, ClinGen allele CA4359295.

ClinVar aggregate classification (germline): Uncertain significance. Review status: criteria provided, multiple submitters, no conflicts (2 of 4 stars). 2 submissions from 2 submitters: Uncertain significance (2). Last evaluated 2024-02-14.

Conditions:
Developmental delay with or without dysmorphic facies and autism. Identifiers: MedGen C5193106, MONDO:0032760, OMIM 618454.

Allele frequency attached by ClinVar (database versions not stated): ExAC 0.00001; gnomAD 0.00001.
gnomAD v4.1: 11 of 1,613,828 alleles (0.00068%); highest among the groups gnomAD compares: African/African-American, 0.0013%; no homozygotes.

Submissions (2):

Labcorp Genetics (formerly Invitae), Labcorp
Classification: Uncertain significance. Last evaluated: 2024-02-14. Review status: criteria provided, single submitter. Criteria: Invitae Variant Classification Sherloc (09022015). Collection method: clinical testing. Allele origin: germline.
Comment: This sequence change replaces arginine, which is basic and polar, with cysteine, which is neutral and slightly polar, at codon 204 of the TRRAP protein (p.Arg204Cys). This variant is present in population databases (rs573134393, gnomAD 0.005%). This variant has not been reported in the literature in individuals affected with TRRAP-related conditions. ClinVar contains an entry for this variant (Variation ID: 2166377). Advanced modeling of protein sequence and biophysical properties (such as structural, functional, and spatial information, amino acid conservation, physicochemical variation, residue mobility, and thermodynamic stability) performed at Invitae indicates that this missense variant is not expected to disrupt TRRAP protein function with a negative predictive value of 80%. In summary, the available evidence is currently insufficient to determine the role of this variant in disease. Therefore, it has been classified as a Variant of Uncertain Significance.

Neuberg Centre For Genomic Medicine, NCGM
Classification: Uncertain significance for Developmental delay with or without dysmorphic facies and autism. Review status: criteria provided, single submitter. Criteria: ACMG Guidelines, 2015. Collection method: clinical testing. Allele origin: germline. Inheritance: Autosomal dominant inheritance. Affected: yes.
Comment: The missense variant c.610C>T (p.Arg204Cys) in TRRAP gene has not been reported previously as a pathogenic variant nor as a benign variant, to our knowledge .The p.Arg204Cys variant is novel (not in any individuals) in 1000 Genomes and allele frequency of 0.0007073% is reported in gnomAD. The amino acid Arg at position 204 is changed to a Cys changing protein sequence and it might alter its composition and physico-chemical properties. The variant is predicted to be damaging by PolyPhen2 and the residue is conserved across species. The amino acid change p.Arg204Cys in TRRAP is predicted as conserved by GERP++ and PhyloP across 100 vertebrates. For these reasons, this variant has been classified as Uncertain Significance .